The following is an entry in ClinVar:

NM_006767.4(LZTR1):c.792-2A>T

Gene: LZTR1 (leucine zipper like post translational regulator 1; plus strand). Cytogenetic location: 22q11.21.
Variant type: single nucleotide variant.
Coding change: c.792-2A>T on transcript NM_006767.4 (MANE Select); the canonical splice acceptor site of the intron before coding-DNA position 792, A replaced by T.
Molecular consequence: splice acceptor variant.
Genome position (GRCh38, 1-based): chr22:20,991,626, A>T. VCF-style: chr22-20991626-A-T. GRCh37 (hg19) VCF-style: chr22-21345915-A-T.
Other names: c.792-2A>T (NM_006767.3).
Identifiers: ClinVar variation 4750363 (VCV004750363.2).
Genomic context (GRCh38, chr22:20,991,626, plus strand): 5'-GAGGCCCCGAGGGTGAGCAGGAGCCCCTGTCCCAGCATTGATTCACTGTTGTGTACCCCC[A>T]GGTGGACACGCATCCCAACTGAACACCTGCTCCGGGGCTCCCCACCACCCCCGCAGCGGC-3'

ClinVar aggregate classification (germline): Likely pathogenic. Review status: criteria provided, multiple submitters, no conflicts (2 of 4 stars). 2 submissions from 2 submitters: Likely pathogenic (2). Last evaluated 2026-08-28.

Conditions:
Cardiovascular phenotype. Identifiers: MedGen CN230736.
Hereditary cancer-predisposing syndrome. Also called: Hereditary Cancer Syndrome; Hereditary neoplastic syndrome; Neoplastic Syndromes, Hereditary; Tumor predisposition. Identifiers: Orphanet 140162, MedGen C0027672, MeSH D009386, MONDO:0015356.

gnomAD v4.1: 2 of 1,582,296 alleles (0.00013%); highest among the groups gnomAD compares: Non-Finnish European, 0.00017%; no homozygotes.

Submissions (2):

Ambry Genetics
Classification: Likely pathogenic for Cardiovascular phenotype; Hereditary cancer-predisposing syndrome. Last evaluated: 2026-08-28. Review status: criteria provided, single submitter. Criteria: Ambry Variant Classification Scheme 2023. Collection method: clinical testing. Allele origin: germline.
Comment: The c.792-2A>T intronic variant results from an A to T substitution two nucleotides upstream from coding exon 9 in the LZTR1 gene. This variant is considered to be rare based on population cohorts in the Genome Aggregation Database (gnomAD). This nucleotide position is highly conserved in available vertebrate species. In silico splice site analysis predicts that this alteration will weaken the native splice acceptor site. Variants that disrupt the canonical splice site are expected to cause aberrant splicing, resulting in an abnormal protein or a transcript that is subject to nonsense-mediated mRNA decay. Loss-of-function variants in LZTR1 are related to an increased risk for schwannomas and autosomal recessive Noonan syndrome; however, such associations with autosomal dominant Noonan syndrome have not been observed (Piotrowski A et al. Nat Genet. 2014 Feb;46:182-7; Yamamoto GL et al. J Med Genet. 2015 Jun;52:413-21; Johnston JJ et al. Genet Med. 2018 10;20:1175-1185). Based on the supporting evidence, this variant is likely pathogenic for an increased risk of LZTR1-related schwannomatosis (SWN) and would be expected to cause autosomal recessive Noonan syndrome when present along with a second pathogenic or likely pathogenic variant on the other allele; however, the association of this variant with autosomal dominant Noonan syndrome is unlikely.

Labcorp Genetics (formerly Invitae), Labcorp
Classification: Likely pathogenic. Last evaluated: 2025-05-22. Review status: criteria provided, single submitter. Criteria: Invitae Variant Classification Sherloc (09022015). Collection method: clinical testing. Allele origin: germline.
Comment: This sequence change affects an acceptor splice site in intron 8 of the LZTR1 gene. It is expected to disrupt RNA splicing. Variants that disrupt the donor or acceptor splice site typically lead to a loss of protein function (PMID: 16199547), and loss-of-function variants in LZTR1 are known to be pathogenic (PMID: 24362817, 25335493, 25480913, 25795793, 29469822, 30368668, 30442762, 30442766, 30481304, 30859559). This variant is not present in population databases (gnomAD no frequency). This variant has not been reported in the literature in individuals affected with LZTR1-related conditions. Algorithms developed to predict the effect of sequence changes on RNA splicing suggest that this variant may disrupt the consensus splice site. In summary, the currently available evidence indicates that the variant is pathogenic, but additional data are needed to prove that conclusively. Therefore, this variant has been classified as Likely Pathogenic.

Literature cited by the submitters: PubMed 16199547 (cited by Labcorp Genetics (formerly Invitae), Labcorp); PubMed 24362817 (cited by Labcorp Genetics (formerly Invitae), Labcorp); PubMed 25335493 (cited by Labcorp Genetics (formerly Invitae), Labcorp); PubMed 25480913 (cited by Labcorp Genetics (formerly Invitae), Labcorp); PubMed 25795793 (cited by Labcorp Genetics (formerly Invitae), Labcorp); PubMed 29469822 (cited by Labcorp Genetics (formerly Invitae), Labcorp); PubMed 30368668 (cited by Labcorp Genetics (formerly Invitae), Labcorp); PubMed 30442762 (cited by Labcorp Genetics (formerly Invitae), Labcorp); PubMed 30442766 (cited by Labcorp Genetics (formerly Invitae), Labcorp); PubMed 30481304 (cited by Labcorp Genetics (formerly Invitae), Labcorp); PubMed 30859559 (cited by Labcorp Genetics (formerly Invitae), Labcorp).